The following is an entry in ClinVar:

NM_014141.6(CNTNAP2):c.3433C>G (p.Leu1145Val)

Gene: CNTNAP2 (contactin associated protein 2; plus strand). Cytogenetic location: 7q36.1.
Variant type: single nucleotide variant.
Coding change: c.3433C>G on transcript NM_014141.6 (MANE Select); coding-DNA position 3433, C replaced by G.
Protein change: p.Leu1145Val; replaces leucine 1145 with valine.
Molecular consequence: missense variant.
Genome position (GRCh38, 1-based): chr7:148,267,084, C>G. VCF-style: chr7-148267084-C-G. GRCh37 (hg19) VCF-style: chr7-147964176-C-G.
Other names: short protein forms L1145V.
Identifiers: ClinVar variation 841520 (VCV000841520.9), dbSNP rs1284175785, ClinGen allele CA369928941.

ClinVar aggregate classification (germline): Uncertain significance (1 of 4 stars; one submission).

Conditions:
Cortical dysplasia-focal epilepsy syndrome (PTHSL1). Also called: Pitt-Hopkins-like syndrome 1. Identifiers: Orphanet 163681, Orphanet 221150, MedGen C2750246, MONDO:0012400, OMIM 610042.

gnomAD v4.1: 4 of 1,614,180 alleles (0.00025%); highest among the groups gnomAD compares: Non-Finnish European, 0.00034%; no homozygotes.

Submission:

Labcorp Genetics (formerly Invitae), Labcorp
Classification: Uncertain significance for Cortical dysplasia-focal epilepsy syndrome. Last evaluated: 2024-10-29. Review status: criteria provided, single submitter. Criteria: Invitae Variant Classification Sherloc (09022015). Collection method: clinical testing. Allele origin: germline.
Comment: This sequence change replaces leucine, which is neutral and non-polar, with valine, which is neutral and non-polar, at codon 1145 of the CNTNAP2 protein (p.Leu1145Val). This variant is not present in population databases (gnomAD no frequency). This variant has not been reported in the literature in individuals affected with CNTNAP2-related conditions. ClinVar contains an entry for this variant (Variation ID: 841520). An algorithm developed to predict the effect of missense changes on protein structure and function outputs the following: PolyPhen-2: "Benign". The valine amino acid residue is found in multiple mammalian species, which suggests that this missense change does not adversely affect protein function. In summary, the available evidence is currently insufficient to determine the role of this variant in disease. Therefore, it has been classified as a Variant of Uncertain Significance.